The following is an entry in ClinVar:

NM_001385641.1(SAMD11):c.776G>T (p.Arg259Leu)

Gene: SAMD11 (sterile alpha motif domain containing 11; plus strand). Cytogenetic location: 1p36.33.
Variant type: single nucleotide variant.
Coding change: c.776G>T on transcript NM_001385641.1 (MANE Select); coding-DNA position 776, G replaced by T.
Protein change: p.Arg259Leu; replaces arginine 259 with leucine.
Molecular consequence: missense variant.
Genome position (GRCh38, 1-based): chr1:930,321, G>T. VCF-style: chr1-930321-G-T. GRCh37 (hg19) VCF-style: chr1-865701-G-T.
Other names: c.776G>T, p.Arg259Leu (NM_001385640.1); c.239G>T, p.Arg80Leu (NM_152486.4); short protein forms R259L, R80L.
Identifiers: ClinVar variation 1478458 (VCV001478458.6), dbSNP rs768961023, ClinGen allele CA337792814.

ClinVar aggregate classification (germline): Uncertain significance (1 of 4 stars; one submission).

Submission:

Labcorp Genetics (formerly Invitae), Labcorp
Classification: Uncertain significance. Last evaluated: 2021-10-16. Review status: criteria provided, single submitter. Criteria: Invitae Variant Classification Sherloc (09022015). Collection method: clinical testing. Allele origin: germline.
Comment: This variant is not present in population databases (ExAC no frequency). This variant has not been reported in the literature in individuals affected with SAMD11-related conditions. Algorithms developed to predict the effect of missense changes on protein structure and function (SIFT, PolyPhen-2, Align-GVGD) all suggest that this variant is likely to be tolerated. In summary, the available evidence is currently insufficient to determine the role of this variant in disease. Therefore, it has been classified as a Variant of Uncertain Significance. This sequence change replaces arginine with leucine at codon 80 of the SAMD11 protein (p.Arg80Leu). The arginine residue is weakly conserved and there is a moderate physicochemical difference between arginine and leucine.